The following is an entry in ClinVar:

ClinVar aggregate classification (germline): Uncertain significance (1 of 4 stars; one submission).

Submission:

Labcorp Genetics (formerly Invitae), Labcorp
Classification: Uncertain significance. Last evaluated: 2021-07-08. Review status: criteria provided, single submitter. Criteria: Invitae Variant Classification Sherloc (09022015). Collection method: clinical testing. Allele origin: germline.
Comment: This sequence change replaces threonine with lysine at codon 131 of the MYLK3 protein (p.Thr131Lys). The threonine residue is weakly conserved and there is a moderate physicochemical difference between threonine and lysine. This variant is not present in population databases (ExAC no frequency). This variant has not been reported in the literature in individuals affected with MYLK3-related conditions. Algorithms developed to predict the effect of missense changes on protein structure and function are either unavailable or do not agree on the potential impact of this missense change (SIFT: "Deleterious"; PolyPhen-2: "Benign"; Align-GVGD: "Class C0"). In summary, the available evidence is currently insufficient to determine the role of this variant in disease. Therefore, it has been classified as a Variant of Uncertain Significance.

NM_182493.3(MYLK3):c.392C>A (p.Thr131Lys)

Gene: MYLK3 (myosin light chain kinase 3; minus strand). Cytogenetic location: 16q11.2.
Variant type: single nucleotide variant.
Coding change: c.392C>A on transcript NM_182493.3 (MANE Select); coding-DNA position 392, C replaced by A.
Protein change: p.Thr131Lys; replaces threonine 131 with lysine.
Molecular consequence: missense variant. On other transcripts: intron variant (1).
Genome position (GRCh38, 1-based): chr16:46,747,802, G>T on the plus strand (C>A on the coding strand, the complement: MYLK3 is on the minus strand). VCF-style: chr16-46747802-G-T. GRCh37 (hg19) VCF-style: chr16-46781714-G-T.
Other names: c.-113-7655C>A (NM_001308301.1); short protein forms T131K.
Identifiers: ClinVar variation 1513808 (VCV001513808.8), dbSNP rs565297078, ClinGen allele CA395796903.